The following is an entry in ClinVar:

NM_001258400.2(FAM187A):c.543C>T (p.Cys181=)

Genes: DNAAF19 (dynein axonemal assembly factor 19; plus strand), FAM187A (family with sequence similarity 187 member A; plus strand), GFAP (glial fibrillary acidic protein; minus strand). Cytogenetic location: 17q21.31.
Variant type: single nucleotide variant.
Coding change: c.543C>T on transcript NM_001258400.2 (MANE Select); coding-DNA position 543, C replaced by T.
Protein change: p.Cys181=; no amino-acid change (cysteine 181 retained).
Molecular consequence: synonymous variant. On other transcripts: 3 prime UTR variant (7).
Genome position (GRCh38, 1-based): chr17:44,904,372, C>T. VCF-style: chr17-44904372-C-T. GRCh37 (hg19) VCF-style: chr17-42981740-C-T.
Other names: c.*2975G>A (NM_002055.5); c.*1555C>T (NM_001258395.2, NM_001258396.2, NM_213607.3); c.*2034C>T (NM_001258397.3); c.*1973C>T (NM_001258398.3, NM_001258399.2).
Identifiers: ClinVar variation 4534046 (VCV004534046.6).

ClinVar aggregate classification (germline): Likely benign (1 of 4 stars; one submission).

gnomAD v4.1: 392 of 1,543,438 alleles (0.025%); highest among the groups gnomAD compares: African/African-American, 0.46%; 1 homozygote.

Submission:

CeGaT Center for Human Genetics Tuebingen
Classification: Likely benign. Last evaluated: 2025-11-01. Review status: criteria provided, single submitter. Criteria: CeGaT Center For Human Genetics Tuebingen Variant Classification Criteria Version 2. Collection method: clinical testing. Allele origin: germline. Affected: yes. Observed: 1 variant allele.
Comment: FAM187A: BP4, BP7